The following is an entry in ClinVar:

NM_001482.3(GATM):c.559C>T (p.Arg187Cys)

Gene: GATM (glycine amidinotransferase; minus strand). Cytogenetic location: 15q21.1.
Variant type: single nucleotide variant.
Coding change: c.559C>T on transcript NM_001482.3 (MANE Select); coding-DNA position 559, C replaced by T.
Protein change: p.Arg187Cys; replaces arginine 187 with cysteine.
Molecular consequence: missense variant.
Genome position (GRCh38, 1-based): chr15:45,368,186, G>A on the plus strand (C>T on the coding strand, the complement: GATM is on the minus strand). VCF-style: chr15-45368186-G-A. GRCh37 (hg19) VCF-style: chr15-45660384-G-A.
Other names: c.172C>T, p.Arg58Cys (NM_001321015.2); short protein forms R187C, R58C.
Identifiers: ClinVar variation 3694415 (VCV003694415.2).

ClinVar aggregate classification (germline): Uncertain significance (1 of 4 stars; one submission).

Conditions:
Arginine:glycine amidinotransferase deficiency (CCDS3). Also called: AGAT deficiency; L-Arginine:Glycine Amidinotransferase Deficiency; Creatine deficiency syndrome due to AGAT deficiency; GATM deficiency; L-Arginine:Glycine Amidinotransferase (AGAT) Deficiency; Cerebral creatine deficiency syndrome 3. Identifiers: Orphanet 35704, MedGen C2675179, MONDO:0012996, OMIM 612718.

gnomAD v4.1: 1 of 1,613,986 alleles (0.000062%); highest among the groups gnomAD compares: Non-Finnish European, 0.000085%; no homozygotes.

Submission:

Labcorp Genetics (formerly Invitae), Labcorp
Classification: Uncertain significance for Arginine:glycine amidinotransferase deficiency. Last evaluated: 2024-10-06. Review status: criteria provided, single submitter. Criteria: Invitae Variant Classification Sherloc (09022015). Collection method: clinical testing. Allele origin: germline.
Comment: This sequence change replaces arginine, which is basic and polar, with cysteine, which is neutral and slightly polar, at codon 187 of the GATM protein (p.Arg187Cys). This variant is not present in population databases (gnomAD no frequency). This variant has not been reported in the literature in individuals affected with GATM-related conditions. Invitae Evidence Modeling of protein sequence and biophysical properties (such as structural, functional, and spatial information, amino acid conservation, physicochemical variation, residue mobility, and thermodynamic stability) indicates that this missense variant is expected to disrupt GATM protein function with a positive predictive value of 95%. In summary, the available evidence is currently insufficient to determine the role of this variant in disease. Therefore, it has been classified as a Variant of Uncertain Significance.